The following is an entry in ClinVar:

NM_006231.4(POLE):c.6440C>A (p.Pro2147His)

Gene: POLE (DNA polymerase epsilon, catalytic subunit; minus strand). Cytogenetic location: 12q24.33.
Variant type: single nucleotide variant.
Coding change: c.6440C>A on transcript NM_006231.4 (MANE Select); coding-DNA position 6440, C replaced by A.
Protein change: p.Pro2147His; replaces proline 2147 with histidine.
Molecular consequence: missense variant.
Genome position (GRCh38, 1-based): chr12:132,626,208, G>T on the plus strand (C>A on the coding strand, the complement: POLE is on the minus strand). VCF-style: chr12-132626208-G-T. GRCh37 (hg19) VCF-style: chr12-133202794-G-T.
Other names: c.6440C>A (NM_006231.2); short protein forms P2147H.
Identifiers: ClinVar variation 957360 (VCV000957360.10), dbSNP rs1555301218, ClinGen allele CA387367541.

ClinVar aggregate classification (germline): Uncertain significance. Review status: criteria provided, multiple submitters, no conflicts (2 of 4 stars). 2 submissions from 2 submitters: Uncertain significance (2). Last evaluated 2026-02-06.

Conditions:
Hereditary cancer-predisposing syndrome. Also called: Tumor predisposition; Hereditary neoplastic syndrome; Hereditary Cancer Syndrome; Neoplastic Syndromes, Hereditary. Identifiers: Orphanet 140162, MedGen C0027672, MeSH D009386, MONDO:0015356.

Submissions (2):

Ambry Genetics
Classification: Uncertain significance for Hereditary cancer-predisposing syndrome. Last evaluated: 2026-02-06. Review status: criteria provided, single submitter. Criteria: Ambry Variant Classification Scheme 2023. Collection method: clinical testing. Allele origin: germline.
Comment: The p.P2147H variant (also known as c.6440C>A), located in coding exon 46 of the POLE gene, results from a C to A substitution at nucleotide position 6440. The proline at codon 2147 is replaced by histidine, an amino acid with similar properties. This amino acid position is highly conserved in available vertebrate species. In addition, the in silico prediction for this alteration is inconclusive. Based on the available evidence, the clinical significance of this variant remains unclear.

Labcorp Genetics (formerly Invitae), Labcorp
Classification: Uncertain significance. Last evaluated: 2022-09-06. Review status: criteria provided, single submitter. Criteria: Invitae Variant Classification Sherloc (09022015). Collection method: clinical testing. Allele origin: germline.
Comment: Algorithms developed to predict the effect of missense changes on protein structure and function are either unavailable or do not agree on the potential impact of this missense change (SIFT: "Deleterious"; PolyPhen-2: "Probably Damaging"; Align-GVGD: "Class C0"). In summary, the available evidence is currently insufficient to determine the role of this variant in disease. Therefore, it has been classified as a Variant of Uncertain Significance. ClinVar contains an entry for this variant (Variation ID: 957360). This sequence change replaces proline, which is neutral and non-polar, with histidine, which is basic and polar, at codon 2147 of the POLE protein (p.Pro2147His). This variant is not present in population databases (gnomAD no frequency). This variant has not been reported in the literature in individuals affected with POLE-related conditions.